The following is an entry in ClinVar:

ClinVar aggregate classification (germline): Uncertain significance (1 of 4 stars; one submission).

Allele frequency attached by ClinVar (database versions not stated): TOPMed below 0.00001.
gnomAD v4.1: 1 of 1,613,848 alleles (0.000062%); no homozygotes.

Submission:

GeneDx
Classification: Uncertain significance. Last evaluated: 2022-08-22. Review status: criteria provided, single submitter. Criteria: GeneDx Variant Classification Process June 2021. Collection method: clinical testing. Allele origin: germline. Affected: yes.
Comment: Not observed at significant frequency in large population cohorts (gnomAD); In silico analysis supports that this missense variant does not alter protein structure/function; Has not been previously published as pathogenic or benign to our knowledge

NM_002655.3(PLAG1):c.68G>A (p.Arg23His)

Gene: PLAG1 (PLAG1 zinc finger; minus strand). Cytogenetic location: 8q12.1.
Variant type: single nucleotide variant.
Coding change: c.68G>A on transcript NM_002655.3 (MANE Select); coding-DNA position 68, G replaced by A.
Protein change: p.Arg23His; replaces arginine 23 with histidine.
Molecular consequence: missense variant. On other transcripts: intron variant (1).
Genome position (GRCh38, 1-based): chr8:56,168,202, C>T on the plus strand (G>A on the coding strand, the complement: PLAG1 is on the minus strand). VCF-style: chr8-56168202-C-T. GRCh37 (hg19) VCF-style: chr8-57080761-C-T.
Other names: c.68G>A, p.Arg23His (NM_001114634.2); c.-4-699G>A (NM_001114635.2); short protein forms R23H.
Identifiers: ClinVar variation 2430393 (VCV002430393.1), dbSNP rs1811414889, ClinGen allele CA371379477.